The following is an entry in ClinVar:

NM_001793.6(CDH3):c.1837dup (p.Asp613fs)

Gene: CDH3 (cadherin 3; plus strand). Cytogenetic location: 16q22.1.
Variant type: Duplication.
Coding change: c.1837dup on transcript NM_001793.6 (MANE Select); coding-DNA position 1837, one base duplicated (G; older notation c.1837dupG).
Protein change: p.Asp613fs; shifts the reading frame from aspartic acid 613.
Molecular consequence: frameshift variant.
Genome position (GRCh38, 1-based): chr16:68,691,761, G duplicated; the last of 2 consecutive G bases (chr16:68,691,760-68,691,761); duplicating either gives the same sequence. VCF-style (leftmost placement, unchanged base first): chr16-68691759-A-AG. GRCh37 (hg19) VCF-style: chr16-68725662-A-AG.
Other names: c.1837dup, p.Asp613fs (NM_001317195.3); c.1672dup, p.Asp558fs (NM_001317196.2); short protein forms D558fs, D613fs.
Identifiers: ClinVar variation 1437434 (VCV001437434.8), dbSNP rs1157340043, ClinGen allele CA623573866.

ClinVar aggregate classification (germline): Pathogenic. Review status: criteria provided, multiple submitters, no conflicts (2 of 4 stars). 3 submissions from 3 submitters: Pathogenic (2). 1 of the submissions does not count toward it. Last evaluated 2025-05-09.

Conditions:
Retinal dystrophy. Also called: Inherited retinal dystrophy. Identifiers: Orphanet 71862, MedGen C0854723, MeSH D058499, MONDO:0019118, HP:0000556.
CDH3-related disorder. Also called: CDH3-related condition.

Submissions (3):

Labcorp Genetics (formerly Invitae), Labcorp
Classification: Pathogenic. Last evaluated: 2025-05-09. Review status: criteria provided, single submitter. Criteria: Invitae Variant Classification Sherloc (09022015). Collection method: clinical testing. Allele origin: germline.
Comment: This sequence change creates a premature translational stop signal (p.Asp613Glyfs*4) in the CDH3 gene. It is expected to result in an absent or disrupted protein product. Loss-of-function variants in CDH3 are known to be pathogenic (PMID: 15805154, 27386845, 29620724). This variant is present in population databases (no rsID available, gnomAD 0.0009%). This variant has not been reported in the literature in individuals affected with CDH3-related conditions. ClinVar contains an entry for this variant (Variation ID: 1437434). For these reasons, this variant has been classified as Pathogenic.

Blueprint Genetics
Classification: Pathogenic for CDH3-related disorders. Last evaluated: 2024-08-26. Review status: criteria provided, single submitter. Criteria: ACMG Guidelines, 2015. Collection method: clinical testing. Allele origin: germline. Affected: yes. Observed: 5 variant alleles.

Institute of Human Genetics, Univ. Regensburg, Univ. Regensburg
Classification: Pathogenic for Retinal dystrophy. Last evaluated: 2019-01-01. Review status: no assertion criteria provided. Criteria: ACMG Guidelines, 2015. Collection method: clinical testing. Allele origin: germline. Affected: yes. Not counted in ClinVar's aggregate classification.

Literature cited by the submitters: PubMed 15805154 (cited by Labcorp Genetics (formerly Invitae), Labcorp); PubMed 27386845 (cited by Labcorp Genetics (formerly Invitae), Labcorp); PubMed 29620724 (cited by Labcorp Genetics (formerly Invitae), Labcorp).